The following is an entry in ClinVar:

ClinVar aggregate classification (germline): Pathogenic (1 of 4 stars; one submission).

Conditions:
Kabuki syndrome 1 (KABUK1). Also called: KMT2D-Related Kabuki Syndrome. Identifiers: Orphanet 2322, MedGen CN030661, MONDO:0007843, OMIM 147920.

Submission:

Victorian Clinical Genetics Services, Murdoch Childrens Research Institute
Classification: Pathogenic for Kabuki syndrome 1. Last evaluated: 2025-07-23. Review status: criteria provided, single submitter. Criteria: ACMG Guidelines, 2015. Collection method: clinical testing. Allele origin: germline. Affected: yes.
Comment: This variant is classified as Pathogenic. Evidence in support of pathogenic classification: Variant is predicted to cause nonsense-mediated decay (NMD) and loss of protein (premature termination codon is located at least 54 nucleotides upstream of the final exon-exon junction); Variant is absent from gnomAD (v2, v3 and v4); Other NMD-predicted variant(s) comparable to the one identified in this case have very strong previous evidence for pathogenicity (DECIPHER); Additional information: This variant is heterozygous; This gene is associated with autosomal dominant disease; This variant has no previous evidence of pathogenicity; Loss of function is a known mechanism of disease in this gene and is associated with Kabuki syndrome 1 (MIM#147920) and branchial arch abnormalities, choanal atresia, athelia, hearing loss, and hypothyroidism syndrome (MIM#620186); Variants in this gene are known to have variable expressivity (PMIDs: 21882399, 31949313).

Literature cited by the submitters: PubMed 21882399; PubMed 31949313.

NM_003482.4(KMT2D):c.12067_12068dup (p.Lys4024fs)

Gene: KMT2D (lysine methyltransferase 2D; minus strand). Cytogenetic location: 12q13.12.
Variant type: Duplication.
Coding change: c.12067_12068dup on transcript NM_003482.4 (MANE Select); coding-DNA positions 12067 to 12068, 2 bases duplicated (GG; older notation c.12067_12068dupGG).
Protein change: p.Lys4024fs; shifts the reading frame from lysine 4024.
Molecular consequence: frameshift variant.
Genome position (GRCh38, 1-based): chr12:49,032,637-49,032,638, CC duplicated on the plus strand (GG on the coding strand, the reverse complement: KMT2D is on the minus strand); duplicating any 2 consecutive bases within chr12:49,032,637-49,032,639 gives the same sequence; the c. name uses the placement nearest the transcript's 3' end. VCF-style (leftmost placement, unchanged base first): chr12-49032636-G-GCC. GRCh37 (hg19) VCF-style: chr12-49426419-G-GCC.
Other names: short protein forms K4024fs.
Identifiers: ClinVar variation 4531419 (VCV004531419.1).